The following is an entry in ClinVar:

NM_004004.6(GJB2):c.160A>G (p.Asn54Asp)

Gene: GJB2 (gap junction protein beta 2; minus strand). Cytogenetic location: 13q12.11.
Variant type: single nucleotide variant.
Coding change: c.160A>G on transcript NM_004004.6 (MANE Select); coding-DNA position 160, A replaced by G.
Protein change: p.Asn54Asp; replaces asparagine 54 with aspartic acid.
Molecular consequence: missense variant.
Genome position (GRCh38, 1-based): chr13:20,189,422, T>C on the plus strand (A>G on the coding strand, the complement: GJB2 is on the minus strand). VCF-style: chr13-20189422-T-C. GRCh37 (hg19) VCF-style: chr13-20763561-T-C.
Other names: short protein forms N54D.
Identifiers: ClinVar variation 4802248 (VCV004802248.1).
Genomic context (GRCh38, chr13:20,189,422, plus strand): 5'-TGTGGGAGATGGGGAAGTAGTGATCGTAGCACACGTTCTTGCAGCCTGGCTGCAGGGTGT[T>C]GCAGACAAAGTCGGCCTGCTCATCTCCCCACACCTCCTTTGCAGCCACAACGAGGATCAT-3'
Protein context (NP_003995.2, residues 44-64): WGDEQADFVC[Asn54Asp]TLQPGCKNVC

ClinVar aggregate classification (germline): Likely pathogenic (1 of 4 stars; one submission).

Submission:

Labcorp Genetics (formerly Invitae), Labcorp
Classification: Likely pathogenic. Last evaluated: 2025-09-20. Review status: criteria provided, single submitter. Criteria: Invitae Variant Classification Sherloc (09022015). Collection method: clinical testing. Allele origin: germline.
Comment: This sequence change replaces asparagine, which is neutral and polar, with aspartic acid, which is acidic and polar, at codon 54 of the GJB2 protein (p.Asn54Asp). This variant is not present in population databases (gnomAD no frequency). This variant has not been reported in the literature in individuals affected with GJB2-related conditions. Invitae Evidence Modeling of protein sequence and biophysical properties (such as structural, functional, and spatial information, amino acid conservation, physicochemical variation, residue mobility, and thermodynamic stability) indicates that this missense variant is expected to disrupt GJB2 protein function with a positive predictive value of 95%. This variant disrupts the p.Asn54 amino acid residue in GJB2. Other variant(s) that disrupt this residue have been determined to be pathogenic (PMID: 15482471, 17255958; internal data). This suggests that this residue is clinically significant, and that variants that disrupt this residue are likely to be disease-causing. In summary, the currently available evidence indicates that the variant is pathogenic, but additional data are needed to prove that conclusively. Therefore, this variant has been classified as Likely Pathogenic.

Literature cited by the submitters: PubMed 15482471; PubMed 17255958.